The following is an entry in ClinVar:

NM_001291303.3(FAT4):c.4942G>C (p.Val1648Leu)

Gene: FAT4 (FAT atypical cadherin 4; plus strand). Cytogenetic location: 4q28.1.
Variant type: single nucleotide variant.
Coding change: c.4942G>C on transcript NM_001291303.3 (MANE Select); coding-DNA position 4942, G replaced by C.
Protein change: p.Val1648Leu; replaces valine 1648 with leucine.
Molecular consequence: missense variant. On other transcripts: intron variant (1).
Genome position (GRCh38, 1-based): chr4:125,321,353, G>C. VCF-style: chr4-125321353-G-C. GRCh37 (hg19) VCF-style: chr4-126242508-G-C.
Other names: c.4942G>C, p.Val1648Leu (NM_001291285.3, NM_001438396.1, NM_001438397.1 and 1 more transcripts); c.-55+5376G>C (NM_001437895.1); short protein forms V1648L.
Identifiers: ClinVar variation 4782044 (VCV004782044.1).
Genomic context (GRCh38, chr4:125,321,353, plus strand): 5'-GTTTTTACTCAACCCAAATATATAACTATTTTGAAGGAAGGAGAACCCATTGGCACAAAC[G>C]TGATATCAATAGAAGCAGCTAGCCCCAGAGGATCTGAGGCCCCAGTGGAGTATTATATTG-3'
Protein context (NP_001278232.1, residues 1638-1658): LKEGEPIGTN[Val1648Leu]ISIEAASPRG

ClinVar aggregate classification (germline): Uncertain significance (1 of 4 stars; one submission).

gnomAD v4.1: 5 of 1,614,130 alleles (0.00031%); highest among the groups gnomAD compares: Non-Finnish European, 0.00042%; no homozygotes.

Submission:

Labcorp Genetics (formerly Invitae), Labcorp
Classification: Uncertain significance. Last evaluated: 2025-10-02. Review status: criteria provided, single submitter. Criteria: Invitae Variant Classification Sherloc (09022015). Collection method: clinical testing. Allele origin: germline.
Comment: This sequence change replaces valine, which is neutral and non-polar, with leucine, which is neutral and non-polar, at codon 1648 of the FAT4 protein (p.Val1648Leu). This variant is present in population databases (no rsID available, gnomAD 0.0009%). This variant has not been reported in the literature in individuals affected with FAT4-related conditions. Invitae Evidence Modeling of protein sequence and biophysical properties (such as structural, functional, and spatial information, amino acid conservation, physicochemical variation, residue mobility, and thermodynamic stability) indicates that this missense variant is not expected to disrupt FAT4 protein function with a negative predictive value of 95%. In summary, the available evidence is currently insufficient to determine the role of this variant in disease. Therefore, it has been classified as a Variant of Uncertain Significance.